The following is an entry in ClinVar:

ClinVar aggregate classification (germline): Uncertain significance (1 of 4 stars; one submission).

Submission:

GeneDx
Classification: Uncertain significance. Last evaluated: 2023-11-09. Review status: criteria provided, single submitter. Criteria: GeneDx Variant Classification Process June 2021. Collection method: clinical testing. Allele origin: germline. Affected: yes.
Comment: Not observed at significant frequency in large population cohorts (gnomAD); Frameshift variant predicted to result in abnormal protein length as the last 475 amino acids are replaced with 83 different amino acids; Has not been previously published as pathogenic or benign to our knowledge

NM_000493.4(COL10A1):c.617del (p.Gly206fs)

Genes: COL10A1 (collagen type X alpha 1 chain; minus strand), NT5DC1 (5'-nucleotidase domain containing 1; plus strand). Cytogenetic location: 6q22.1.
Variant type: Deletion.
Coding change: c.617del on transcript NM_000493.4 (MANE Select); coding-DNA position 617, one base deleted (G; older notation c.617delG).
Protein change: p.Gly206fs; shifts the reading frame from glycine 206.
Molecular consequence: frameshift variant. On other transcripts: intron variant (1).
Genome position (GRCh38, 1-based): chr6:116,121,499, C deleted on the plus strand (G on the coding strand, the reverse complement: COL10A1 is on the minus strand); the first of 2 consecutive C bases (chr6:116,121,499-116,121,500); deleting either gives the same sequence. VCF-style (leftmost placement, unchanged base first): chr6-116121498-GC-G. GRCh37 (hg19) VCF-style: chr6-116442661-GC-G.
Other names: c.617del, p.Gly206fs (NM_001424106.1, NM_001424107.1); c.529+3555del (NM_152729.3); short protein forms G206fs.
Identifiers: ClinVar variation 3364173 (VCV003364173.1).